The following is an entry in ClinVar:

NM_006623.4(PHGDH):c.1559C>A (p.Ala520Glu)

Gene: PHGDH (phosphoglycerate dehydrogenase; plus strand). Cytogenetic location: 1p12.
Variant type: single nucleotide variant.
Coding change: c.1559C>A on transcript NM_006623.4 (MANE Select); coding-DNA position 1559, C replaced by A.
Protein change: p.Ala520Glu; replaces alanine 520 with glutamic acid.
Molecular consequence: missense variant.
Genome position (GRCh38, 1-based): chr1:119,743,997, C>A. VCF-style: chr1-119743997-C-A. GRCh37 (hg19) VCF-style: chr1-120286620-C-A.
Other names: short protein forms A520E.
Identifiers: ClinVar variation 719978 (VCV000719978.53), dbSNP rs151275800, ClinGen allele CA1037485.

ClinVar aggregate classification (germline): Conflicting classifications of pathogenicity. Review status: criteria provided, conflicting classifications (1 of 4 stars). 7 submissions from 7 submitters: Uncertain significance (1); Benign (1); Likely benign (4). 1 of the submissions does not count toward it. Last evaluated 2026-02-02.

Conditions:
PHGDH deficiency. Identifiers: Orphanet 79351, MedGen C1866174, MONDO:0011152, OMIM 601815.
Inborn genetic diseases. Identifiers: MedGen C0950123, MeSH D030342.

Allele frequency attached by ClinVar (database versions not stated): 1000 Genomes Project 30x 0.00031; 1000 Genomes Project 0.00040; TOPMed 0.00096; gnomAD 0.00097 and 0.00101; ESP Exome Variant Server 0.00123.
gnomAD v4.1: 1,158 of 1,614,092 alleles (0.072%); highest among the groups gnomAD compares: Middle Eastern, 1.3%; 8 homozygotes.

Submissions (7):

Labcorp Genetics (formerly Invitae), Labcorp
Classification: Likely benign for PHGDH deficiency. Last evaluated: 2026-02-02. Review status: criteria provided, single submitter. Criteria: Invitae Variant Classification Sherloc (09022015). Collection method: clinical testing. Allele origin: germline.

Blueprint Genetics
Classification: Likely benign. Last evaluated: 2024-11-26. Review status: criteria provided, single submitter. Criteria: ACMG Guidelines, 2015. Collection method: clinical testing. Allele origin: germline.

Athena Diagnostics
Classification: Benign. Last evaluated: 2024-09-30. Review status: criteria provided, single submitter. Criteria: Athena Diagnostics Criteria. Collection method: clinical testing. Allele origin: unknown.

CeGaT Center for Human Genetics Tuebingen
Classification: Likely benign. Last evaluated: 2022-05-01. Review status: criteria provided, single submitter. Criteria: CeGaT Center For Human Genetics Tuebingen Variant Classification Criteria Version 2. Collection method: clinical testing. Allele origin: germline. Affected: yes. Observed: 2 variant alleles.
Comment: PHGDH: BP4

Ambry Genetics
Classification: Likely benign for Inborn genetic diseases. Last evaluated: 2021-06-18. Review status: criteria provided, single submitter. Criteria: Ambry Variant Classification Scheme 2023. Collection method: clinical testing. Allele origin: germline.

Illumina Laboratory Services, Illumina
Classification: Uncertain significance for PHGDH deficiency. Last evaluated: 2017-04-27. Review status: criteria provided, single submitter. Criteria: ICSL Variant Classification Criteria 13 December 2019. Collection method: clinical testing. Allele origin: germline.

Natera, Inc.
Classification: Benign for Phosphoglycerate dehydrogenase deficiency. Last evaluated: 2019-10-21. Review status: no assertion criteria provided. Collection method: clinical testing. Allele origin: germline. Not counted in ClinVar's aggregate classification.

Literature cited by the submitters: PubMed 24367280 (cited by Athena Diagnostics).